The following is an entry in ClinVar:

NM_004320.6(ATP2A1):c.367G>C (p.Glu123Gln)

Gene: ATP2A1 (ATPase sarcoplasmic/endoplasmic reticulum Ca2+ transporting 1; plus strand). Cytogenetic location: 16p11.2.
Variant type: single nucleotide variant.
Coding change: c.367G>C on transcript NM_004320.6 (MANE Select); coding-DNA position 367, G replaced by C.
Protein change: p.Glu123Gln; replaces glutamic acid 123 with glutamine.
Molecular consequence: missense variant. On other transcripts: 5 prime UTR variant (1).
Genome position (GRCh38, 1-based): chr16:28,882,493, G>C. VCF-style: chr16-28882493-G-C. GRCh37 (hg19) VCF-style: chr16-28893814-G-C.
Other names: c.-9G>C (NM_001286075.2); c.367G>C, p.Glu123Gln (NM_173201.5); short protein forms E123Q.
Identifiers: ClinVar variation 2013193 (VCV002013193.4), dbSNP rs759292835, ClinGen allele CA7986633.
Genomic context (GRCh38, chr16:28,882,493, plus strand): 5'-TCCACCCTGTCTCCTCAGGAGCGGAACGCAGAGAACGCCATCGAGGCCCTGAAGGAGTAT[G>C]AGCCAGAGATGGGGAAGGTCTACCGGGCTGACCGCAAGTCAGTGCAAAGGATCAAGGCTC-3'
Protein context (NP_004311.1, residues 113-133): ENAIEALKEY[Glu123Gln]PEMGKVYRAD

ClinVar aggregate classification (germline): Uncertain significance (1 of 4 stars; one submission).

Conditions:
Brody myopathy. Also called: BRODY DISEASE. Identifiers: Orphanet 53347, MedGen C1832918, MONDO:0010977, OMIM 601003.

Allele frequency attached by ClinVar (database versions not stated): gnomAD exomes below 0.00001; ExAC 0.00001.

Submission:

Labcorp Genetics (formerly Invitae), Labcorp
Classification: Uncertain significance for Brody myopathy. Last evaluated: 2022-08-09. Review status: criteria provided, single submitter. Criteria: Invitae Variant Classification Sherloc (09022015). Collection method: clinical testing. Allele origin: germline.
Comment: This sequence change replaces glutamic acid, which is acidic and polar, with glutamine, which is neutral and polar, at codon 123 of the ATP2A1 protein (p.Glu123Gln). In summary, the available evidence is currently insufficient to determine the role of this variant in disease. Therefore, it has been classified as a Variant of Uncertain Significance. Algorithms developed to predict the effect of missense changes on protein structure and function are either unavailable or do not agree on the potential impact of this missense change (SIFT: "Deleterious"; PolyPhen-2: "Benign"; Align-GVGD: "Class C0"). This variant has not been reported in the literature in individuals affected with ATP2A1-related conditions. This variant is present in population databases (rs759292835, gnomAD 0.006%).